The following is an entry in ClinVar:

ClinVar aggregate classification (germline): Likely pathogenic (1 of 4 stars; one submission).

Submission:

GeneDx
Classification: Likely pathogenic. Last evaluated: 2017-01-27. Review status: criteria provided, single submitter. Criteria: GeneDx Variant Classification (06012015). Collection method: clinical testing. Allele origin: germline. Affected: yes.
Comment: The c.1 A>G variant has not been published as a pathogenic variant, nor has it been reported as a benign variant to our knowledge. The c.1 A>G variant is not observed in large population cohorts (Lek et al., 2016; 1000 Genomes Consortium et al., 2015; Exome Variant Server). This substitution alters the initiator Methionine codon, and the resultant protein would be described as p.Met1?" to signify that it is not known if the loss of Met1 means that all protein translation is completely prevented or if a protein is produced using an alternative Methionine initiator codon. Therefore, this variant is likely pathogenic; however, the possibility that it is benign cannot be excluded."

NM_016729.3(FOLR1):c.1A>G (p.Met1Val)

Genes: FOLR1 (folate receptor alpha; plus strand), FOLR1-AS1 (FOLR1 antisense RNA 1; minus strand). Cytogenetic location: 11q13.4.
Variant type: single nucleotide variant.
Coding change: c.1A>G on transcript NM_016729.3 (MANE Select); coding-DNA position 1, A replaced by G.
Protein change: p.Met1Val; changes the start codon (methionine 1).
Molecular consequence: missense variant, initiator codon variant.
Genome position (GRCh38, 1-based): chr11:72,192,174, A>G. VCF-style: chr11-72192174-A-G. GRCh37 (hg19) VCF-style: chr11-71903218-A-G.
Other names: c.1A>G, p.Met1Val (NM_000802.3, NM_016724.3, NM_016725.3); short protein forms M1V.
Identifiers: ClinVar variation 393190 (VCV000393190.3), dbSNP rs1057524829, ClinGen allele CA16606406.